The following is an entry in ClinVar:

ClinVar aggregate classification (germline): Conflicting classifications of pathogenicity. Review status: criteria provided, conflicting classifications (1 of 4 stars). 2 submissions from 2 submitters: Uncertain significance (1); Likely benign (1). Last evaluated 2025-05-05.

Conditions:
Primary ciliary dyskinesia 30. Also called: CILIARY DYSKINESIA, PRIMARY, 30, WITH OR WITHOUT SITUS INVERSUS. Identifiers: Orphanet 244, MedGen C4015016, MONDO:0014465, OMIM 616037.
Inborn genetic diseases. Identifiers: MedGen C0950123, MeSH D030342.

Allele frequency attached by ClinVar (database versions not stated): gnomAD 0.00005; ESP Exome Variant Server 0.00008.
gnomAD v4.1: 61 of 1,613,924 alleles (0.0038%); highest among the groups gnomAD compares: South Asian, 0.0044%; no homozygotes.

Submissions (2):

Labcorp Genetics (formerly Invitae), Labcorp
Classification: Uncertain significance for Primary ciliary dyskinesia 30. Last evaluated: 2025-05-05. Review status: criteria provided, single submitter. Criteria: Invitae Variant Classification Sherloc (09022015). Collection method: clinical testing. Allele origin: germline.
Comment: This sequence change replaces arginine, which is basic and polar, with histidine, which is basic and polar, at codon 107 of the CCDC151 protein (p.Arg107His). This variant is present in population databases (rs376087461, gnomAD 0.008%). This variant has not been reported in the literature in individuals affected with CCDC151-related conditions. ClinVar contains an entry for this variant (Variation ID: 1682791). An algorithm developed to predict the effect of missense changes on protein structure and function outputs the following: PolyPhen-2: "Benign". The histidine amino acid residue is found in multiple mammalian species, which suggests that this missense change does not adversely affect protein function. In summary, the available evidence is currently insufficient to determine the role of this variant in disease. Therefore, it has been classified as a Variant of Uncertain Significance.

Ambry Genetics
Classification: Likely benign for Inborn genetic diseases. Last evaluated: 2023-02-09. Review status: criteria provided, single submitter. Criteria: Ambry Variant Classification Scheme 2023. Collection method: clinical testing. Allele origin: germline.

NM_145045.5(ODAD3):c.320G>A (p.Arg107His)

Gene: ODAD3 (outer dynein arm docking complex subunit 3; minus strand). Cytogenetic location: 19p13.2.
Variant type: single nucleotide variant.
Coding change: c.320G>A on transcript NM_145045.5 (MANE Select); coding-DNA position 320, G replaced by A.
Protein change: p.Arg107His; replaces arginine 107 with histidine.
Molecular consequence: missense variant.
Genome position (GRCh38, 1-based): chr19:11,430,945, C>T on the plus strand (G>A on the coding strand, the complement: ODAD3 is on the minus strand). VCF-style: chr19-11430945-C-T. GRCh37 (hg19) VCF-style: chr19-11541765-C-T.
Other names: c.320G>A (NM_145045.4); c.158G>A, p.Arg53His (NM_001302453.1); c.320G>A, p.Arg107His (NM_001302454.2); short protein forms R107H, R53H.
Identifiers: ClinVar variation 1682791 (VCV001682791.8), dbSNP rs376087461, ClinGen allele CA9212460.